The following is an entry in ClinVar:

NM_014874.4(MFN2):c.2003A>G (p.His668Arg)

Gene: MFN2 (mitofusin 2; plus strand). Cytogenetic location: 1p36.22.
Variant type: single nucleotide variant.
Coding change: c.2003A>G on transcript NM_014874.4 (MANE Select); coding-DNA position 2003, A replaced by G.
Protein change: p.His668Arg; replaces histidine 668 with arginine.
Molecular consequence: missense variant.
Genome position (GRCh38, 1-based): chr1:12,007,183, A>G. VCF-style: chr1-12007183-A-G. GRCh37 (hg19) VCF-style: chr1-12067240-A-G.
Other names: c.2003A>G, p.His668Arg (NM_001127660.2); c.2003A>G (NM_014874.3); short protein forms H668R.
Identifiers: ClinVar variation 1434884 (VCV001434884.9), dbSNP rs747947098, ClinGen allele CA599297.
Genomic context (GRCh38, chr1:12,007,183, plus strand): 5'-AGCGTCTGACCTGGACCACCAAGGCCAAGGAGAGGGCCTTCAAGCGCCAGTTTGTGGAGC[A>G]TGCCAGCGAGAAGCTGCAGCTTGTCATCAGCTACACTGGCTCCAACTGCAGCCACCAAGT-3'
Protein context (NP_055689.1, residues 658-678): ERAFKRQFVE[His668Arg]ASEKLQLVIS

ClinVar aggregate classification (germline): Uncertain significance. Review status: criteria provided, multiple submitters, no conflicts (2 of 4 stars). 2 submissions from 2 submitters: Uncertain significance (2). Last evaluated 2025-03-29.

Conditions:
Charcot-Marie-Tooth disease type 2. Also called: Charcot-Marie-Tooth type 2. Identifiers: Orphanet 64746, MedGen C0270914, MONDO:0018993.

Allele frequency attached by ClinVar (database versions not stated): gnomAD exomes below 0.00001; TOPMed below 0.00001; ExAC 0.00001.

Submissions (2):

GeneDx
Classification: Uncertain significance. Last evaluated: 2025-03-29. Review status: criteria provided, single submitter. Criteria: GeneDx Variant Classification Process June 2021. Collection method: clinical testing. Allele origin: germline. Affected: yes.
Comment: Not observed at significant frequency in large population cohorts (gnomAD); In silico analysis supports that this missense variant has a deleterious effect on protein structure/function; Has not been previously published as pathogenic or benign to our knowledge; This variant is associated with the following publications: (PMID: 30761385)

Labcorp Genetics (formerly Invitae), Labcorp
Classification: Uncertain significance for Charcot-Marie-Tooth disease type 2. Last evaluated: 2020-11-16. Review status: criteria provided, single submitter. Criteria: Invitae Variant Classification Sherloc (09022015). Collection method: clinical testing. Allele origin: germline.
Comment: This variant has not been reported in the literature in individuals with MFN2-related conditions. This variant is present in population databases (rs747947098, ExAC 0.009%). This sequence change replaces histidine with arginine at codon 668 of the MFN2 protein (p.His668Arg). The histidine residue is weakly conserved and there is a small physicochemical difference between histidine and arginine. Advanced modeling of protein sequence and biophysical properties (such as structural, functional, and spatial information, amino acid conservation, physicochemical variation, residue mobility, and thermodynamic stability) performed at Invitae indicates that this missense variant is expected to disrupt MFN2 protein function. In summary, the available evidence is currently insufficient to determine the role of this variant in disease. Therefore, it has been classified as a Variant of Uncertain Significance.